The following is an entry in ClinVar:

ClinVar aggregate classification (germline): Uncertain significance (1 of 4 stars; one submission).

Submission:

Labcorp Genetics (formerly Invitae), Labcorp
Classification: Uncertain significance. Last evaluated: 2022-06-22. Review status: criteria provided, single submitter. Criteria: Invitae Variant Classification Sherloc (09022015). Collection method: clinical testing. Allele origin: germline.
Comment: Variants that disrupt the consensus splice site are a relatively common cause of aberrant splicing (PMID: 17576681, 9536098). Algorithms developed to predict the effect of sequence changes on RNA splicing suggest that this variant is not likely to affect RNA splicing. In summary, the available evidence is currently insufficient to determine the role of this variant in disease. Therefore, it has been classified as a Variant of Uncertain Significance. This variant has not been reported in the literature in individuals affected with SLC12A6-related conditions. This variant is not present in population databases (gnomAD no frequency). This sequence change falls in intron 18 of the SLC12A6 gene. It does not directly change the encoded amino acid sequence of the SLC12A6 protein. It affects a nucleotide within the consensus splice site.

Literature cited by the submitters: PubMed 17576681; PubMed 9536098.

NM_001365088.1(SLC12A6):c.2436+4A>G

Gene: SLC12A6 (solute carrier family 12 member 6; minus strand). Cytogenetic location: 15q14.
Variant type: single nucleotide variant.
Coding change: c.2436+4A>G on transcript NM_001365088.1 (MANE Select); 4 bases into the intron after coding-DNA position 2436, A replaced by G.
Molecular consequence: intron variant.
Genome position (GRCh38, 1-based): chr15:34,240,657, T>C on the plus strand (A>G on the coding strand, the complement: SLC12A6 is on the minus strand). VCF-style: chr15-34240657-T-C. GRCh37 (hg19) VCF-style: chr15-34532858-T-C.
Other names: c.2259+4A>G (NM_001042495.2, NM_001042494.2); c.2409+4A>G (NM_001042496.2); c.2391+4A>G (NM_001042497.2); c.2436+4A>G (NM_133647.2); c.2283+4A>G (NM_005135.2).
Identifiers: ClinVar variation 2004758 (VCV002004758.4), dbSNP rs2509760997, ClinGen allele CA2580089283.
Genomic context (GRCh38, chr15:34,240,657, plus strand): 5'-TCTTACTACTTAACATCACAAAGCTGTAAACTGAGTTCCAATACCTCAAAAGCCTGACTC[T>C]TACCTGCTCAGCAGCTAAAGCTTCACCGTAGTTCTCTAGGAAGTTCCCCACGATGACAGA-3'